The following is an entry in ClinVar:

ClinVar aggregate classification (germline): Pathogenic (1 of 4 stars; one submission).

Conditions:
Peutz-Jeghers syndrome (PJS). Also called: POLYPOSIS, HAMARTOMATOUS INTESTINAL; POLYPS-AND-SPOTS SYNDROME; Peutz-Jeghers polyposis; Periorificial lentiginosis syndrome. Identifiers: Orphanet 2869, MedGen C0031269, MeSH D010580, MONDO:0008280, OMIM 175200.

Submission:

Labcorp Genetics (formerly Invitae), Labcorp
Classification: Pathogenic for Peutz-Jeghers syndrome. Last evaluated: 2018-08-23. Review status: criteria provided, single submitter. Criteria: Invitae Variant Classification Sherloc (09022015). Collection method: clinical testing. Allele origin: germline.
Comment: This sequence change creates a premature translational stop signal (p.Val66Glyfs*87) in the STK11 gene. It is expected to result in an absent or disrupted protein product. This variant is not present in population databases (ExAC no frequency). This variant has not been reported in the literature in individuals with STK11-related disease. Loss-of-function variants in STK11 are known to be pathogenic (PMID: 15188174, 16287113). For these reasons, this variant has been classified as Pathogenic.

Literature cited by the submitters: PubMed 15188174; PubMed 16287113.

NM_000455.5(STK11):c.197_225del (p.Val66fs)

Gene: STK11 (serine/threonine kinase 11; plus strand). Cytogenetic location: 19p13.3.
Variant type: Deletion.
Coding change: c.197_225del on transcript NM_000455.5 (MANE Select); coding-DNA positions 197 to 225, 29 bases deleted (TGCTGGACTCGGAGACGCTGTGCAGGAGG).
Protein change: p.Val66fs; shifts the reading frame from valine 66.
Molecular consequence: frameshift variant.
Genome position (GRCh38, 1-based): chr19:1,207,110-1,207,138, TGCTGGACTCGGAGACGCTGTGCAGGAGG deleted; deleting any 29 consecutive bases within chr19:1,207,104-1,207,138 gives the same sequence; the c. name uses the placement nearest the transcript's 3' end. VCF-style (leftmost placement, unchanged base first): chr19-1207103-AAGGAGGTGCTGGACTCGGAGACGCTGTGC-A. GRCh37 (hg19) VCF-style: chr19-1207102-AAGGAGGTGCTGGACTCGGAGACGCTGTGC-A.
Other names: c.197_225delTGCTGGACTCGGAGACGCTGTGCAGGAGG (NM_000455.4); short protein forms V66fs.
Identifiers: ClinVar variation 643317 (VCV000643317.6), dbSNP rs1599915131, ClinGen allele CA915951608.